The following is an entry in ClinVar:

ClinVar aggregate classification (germline): Pathogenic (1 of 4 stars; one submission).

Conditions:
Incontinentia pigmenti syndrome (IP). Also called: Incontinentia Pigmenti; INCONTINENTIA PIGMENTI, FAMILIAL MALE-LETHAL TYPE; BLOCH-SULZBERGER SYNDROME; INCONTINENTIA PIGMENTI, TYPE II. Identifiers: Orphanet 464, MedGen C0021171, MONDO:0010631, OMIM 308300.

Submission:

Institute of Human Genetics, University of Leipzig Medical Center
Classification: Pathogenic for Incontinentia pigmenti syndrome. Last evaluated: 2021-10-21. Review status: criteria provided, single submitter. Criteria: ACMG Guidelines, 2015. Collection method: clinical testing. Allele origin: unknown. Affected: yes.
Comment: _x000D_ Criteria applied: PVS1, PS4, PM2_SUP

NC_000023.10:g.(153784642_153786697)_(153792726_153814360)del

Genes: CTAG1A (cancer/testis antigen 1A; plus strand), IKBKG (inhibitor of nuclear factor kappa B kinase regulatory subunit gamma; plus strand). Cytogenetic location: Xq28.
Variant type: Deletion.
Identifiers: ClinVar variation 1325735 (VCV001325735.1).